The following is an entry in ClinVar:

ClinVar aggregate classification (germline): Uncertain significance (1 of 4 stars; one submission).

Allele frequency attached by ClinVar (database versions not stated): TOPMed below 0.00001.
gnomAD v4.1: 1 of 1,613,762 alleles (0.000062%); no homozygotes.

Submission:

Ambry Genetics
Classification: Uncertain significance. Last evaluated: 2024-06-16. Review status: criteria provided, single submitter. Criteria: Ambry Variant Classification Scheme 2023. Collection method: clinical testing. Allele origin: germline.
Comment: The p.T838S variant (also known as c.2512A>T), located in coding exon 13 of the PALLD gene, results from an A to T substitution at nucleotide position 2512. The threonine at codon 838 is replaced by serine, an amino acid with similar properties. This amino acid position is conserved. In addition, this alteration is predicted to be tolerated by in silico analysis. Since supporting evidence is limited at this time, the clinical significance of this alteration remains unclear.

NM_001166108.2(PALLD):c.2563A>T (p.Thr855Ser)

Genes: CBR4 (carbonyl reductase 4; minus strand), PALLD (palladin, cytoskeletal associated protein; plus strand). Cytogenetic location: 4q32.3.
Variant type: single nucleotide variant.
Coding change: c.2563A>T on transcript NM_001166108.2 (MANE Select); coding-DNA position 2563, A replaced by T.
Protein change: p.Thr855Ser; replaces threonine 855 with serine.
Molecular consequence: missense variant.
Genome position (GRCh38, 1-based): chr4:168,903,847, A>T. VCF-style: chr4-168903847-A-T. GRCh37 (hg19) VCF-style: chr4-169824998-A-T.
Other names: c.1366A>T, p.Thr456Ser (NM_001166109.2); c.1051A>T, p.Thr351Ser (NM_001166110.2); c.391A>T, p.Thr131Ser (NM_001367567.1, NM_001367569.1); c.442A>T, p.Thr148Ser (NM_001367568.1, NM_001367570.1); c.2512A>T, p.Thr838Ser (NM_016081.4); short protein forms T148S, T351S, T838S, T131S, T456S, T855S.
Identifiers: ClinVar variation 1792414 (VCV001792414.3), dbSNP rs1757065691, ClinGen allele CA358799433.